The following is an entry in ClinVar:

NM_032043.3(BRIP1):c.3197C>T (p.Ser1066Leu)

Gene: BRIP1 (BRCA1 interacting DNA helicase 1; minus strand). Cytogenetic location: 17q23.2.
Variant type: single nucleotide variant.
Coding change: c.3197C>T on transcript NM_032043.3 (MANE Select); coding-DNA position 3197, C replaced by T.
Protein change: p.Ser1066Leu; replaces serine 1066 with leucine.
Molecular consequence: missense variant.
Genome position (GRCh38, 1-based): chr17:61,683,849, G>A on the plus strand (C>T on the coding strand, the complement: BRIP1 is on the minus strand). VCF-style: chr17-61683849-G-A. GRCh37 (hg19) VCF-style: chr17-59761210-G-A.
Other names: short protein forms S1066L.
Identifiers: ClinVar variation 823147 (VCV000823147.15), dbSNP rs1567728809, ClinGen allele CA400479356.

ClinVar aggregate classification (germline): Conflicting classifications of pathogenicity. Review status: criteria provided, conflicting classifications (1 of 4 stars). 2 submissions from 2 submitters: Uncertain significance (1); Likely benign (1). Last evaluated 2025-07-24.

Conditions:
Familial cancer of breast. Also called: Hereditary breast cancer; hereditary breast carcinoma; BREAST CANCER, FAMILIAL. Identifiers: Orphanet 227535, MedGen C0346153, MONDO:0016419, OMIM 114480. Disease mechanism: loss of function.
Fanconi anemia complementation group J. Also called: BRIP1-Related Fanconi Anemia. Identifiers: Orphanet 84, MedGen C1836860, MONDO:0012187, OMIM 609054.
Hereditary cancer-predisposing syndrome. Also called: Hereditary Cancer Syndrome; Neoplastic Syndromes, Hereditary; Hereditary neoplastic syndrome; Tumor predisposition. Identifiers: Orphanet 140162, MedGen C0027672, MeSH D009386, MONDO:0015356.

Allele frequency attached by ClinVar (database versions not stated): gnomAD exomes below 0.00001; gnomAD 0.00001; TOPMed 0.00001.
gnomAD v4.1: 4 of 1,614,024 alleles (0.00025%); highest among the groups gnomAD compares: African/African-American, 0.004%; no homozygotes.

Submissions (2):

Labcorp Genetics (formerly Invitae), Labcorp
Classification: Uncertain significance for Familial cancer of breast; Fanconi anemia complementation group J. Last evaluated: 2025-07-24. Review status: criteria provided, single submitter. Criteria: Invitae Variant Classification Sherloc (09022015). Collection method: clinical testing. Allele origin: germline.
Comment: This sequence change replaces serine, which is neutral and polar, with leucine, which is neutral and non-polar, at codon 1066 of the BRIP1 protein (p.Ser1066Leu). This variant is present in population databases (no rsID available, gnomAD 0.007%). This variant has not been reported in the literature in individuals affected with BRIP1-related conditions. ClinVar contains an entry for this variant (Variation ID: 823147). Invitae Evidence Modeling of protein sequence and biophysical properties (such as structural, functional, and spatial information, amino acid conservation, physicochemical variation, residue mobility, and thermodynamic stability) indicates that this missense variant is not expected to disrupt BRIP1 protein function with a negative predictive value of 95%. In summary, the available evidence is currently insufficient to determine the role of this variant in disease. Therefore, it has been classified as a Variant of Uncertain Significance.

Ambry Genetics
Classification: Likely benign for Hereditary cancer-predisposing syndrome. Last evaluated: 2024-03-20. Review status: criteria provided, single submitter. Criteria: Ambry Variant Classification Scheme 2023. Collection method: clinical testing. Allele origin: germline.